The following is an entry in ClinVar:

ClinVar aggregate classification (germline): Uncertain significance. Review status: criteria provided, multiple submitters, no conflicts (2 of 4 stars). 2 submissions from 2 submitters: Uncertain significance (2). Last evaluated 2024-02-02.

Conditions:
Inborn genetic diseases. Identifiers: MedGen C0950123, MeSH D030342.

Allele frequency attached by ClinVar (database versions not stated): ExAC 0.00001; gnomAD exomes 0.00001.
gnomAD v4.1: 23 of 1,613,122 alleles (0.0014%); highest among the groups gnomAD compares: Non-Finnish European, 0.0017%; no homozygotes.

Submissions (2):

Ambry Genetics
Classification: Uncertain significance for Inborn genetic diseases. Last evaluated: 2024-02-02. Review status: criteria provided, single submitter. Criteria: Ambry Variant Classification Scheme 2023. Collection method: clinical testing. Allele origin: germline.

Labcorp Genetics (formerly Invitae), Labcorp
Classification: Uncertain significance. Last evaluated: 2021-12-06. Review status: criteria provided, single submitter. Criteria: Invitae Variant Classification Sherloc (09022015). Collection method: clinical testing. Allele origin: germline.
Comment: This sequence change replaces alanine, which is neutral and non-polar, with valine, which is neutral and non-polar, at codon 1735 of the PCDH15 protein (p.Ala1735Val). The frequency data for this variant in the population databases is considered unreliable, as metrics indicate poor data quality at this position in the gnomAD database. This variant has not been reported in the literature in individuals affected with PCDH15-related conditions. Algorithms developed to predict the effect of missense changes on protein structure and function (SIFT, PolyPhen-2, Align-GVGD) all suggest that this variant is likely to be tolerated. In summary, the available evidence is currently insufficient to determine the role of this variant in disease. Therefore, it has been classified as a Variant of Uncertain Significance.

NM_033056.4(PCDH15):c.5204C>T (p.Ala1735Val)

Gene: PCDH15 (protocadherin related 15; minus strand). Cytogenetic location: 10q21.1.
Variant type: single nucleotide variant.
Coding change: c.5204C>T on transcript NM_033056.4 (MANE Plus Clinical); coding-DNA position 5204, C replaced by T.
Protein change: p.Ala1735Val; replaces alanine 1735 with valine.
Molecular consequence: missense variant. On other transcripts: intron variant (8).
Genome position (GRCh38, 1-based): chr10:53,822,522, G>A on the plus strand (C>T on the coding strand, the complement: PCDH15 is on the minus strand). VCF-style: chr10-53822522-G-A. GRCh37 (hg19) VCF-style: chr10-55582282-G-A.
Other names: c.5195C>T, p.Ala1732Val (NM_001142766.2); c.5084C>T, p.Ala1695Val (NM_001142767.2); c.5144C>T, p.Ala1715Val (NM_001142768.2); c.5135C>T, p.Ala1712Val (NM_001142773.2); c.5138C>T, p.Ala1713Val (NM_001354404.2); c.4367+4871C>T (NM_001354420.2); c.4368-4509C>T (NM_001354429.2); c.4368-2292C>T (NM_001384140.1); and 7 more; short protein forms A1695V, A1713V, A1735V, A1737V, A1742V, A1712V, A1666V, A1715V.
Identifiers: ClinVar variation 1388411 (VCV001388411.4), dbSNP rs749342805, ClinGen allele CA5505106.